The following is an entry in ClinVar:

ClinVar aggregate classification (germline): Uncertain significance (1 of 4 stars; one submission).

Submission:

GeneDx
Classification: Uncertain significance. Last evaluated: 2019-11-14. Review status: criteria provided, single submitter. Criteria: GeneDx Variant Classification Process June 2021. Collection method: clinical testing. Allele origin: germline. Affected: yes.
Comment: Not observed in large population cohorts (Lek et al., 2016); In silico analysis, which includes splice predictors and evolutionary conservation, supports a deleterious effect; Has not been previously published as pathogenic or benign to our knowledge

NM_001673.5(ASNS):c.487+3A>T

Genes: ASNS (asparagine synthetase (glutamine-hydrolyzing); minus strand), CZ1P-ASNS (CZ1P-ASNS readthrough; minus strand). Cytogenetic location: 7q21.3.
Variant type: single nucleotide variant.
Coding change: c.487+3A>T on transcript NM_001673.5 (MANE Select); 3 bases into the intron after coding-DNA position 487, A replaced by T.
Molecular consequence: intron variant.
Genome position (GRCh38, 1-based): chr7:97,864,256, T>A on the plus strand (A>T on the coding strand, the complement: ASNS is on the minus strand). VCF-style: chr7-97864256-T-A. GRCh37 (hg19) VCF-style: chr7-97493568-T-A.
Other names: c.487+3A>T (NM_001352496.2, NM_183356.4, NM_133436.3); c.238+3A>T (NM_001178076.2, NM_001178077.1); c.424+3A>T (NM_001178075.2).
Identifiers: ClinVar variation 1310231 (VCV001310231.2), dbSNP rs2115707803, ClinGen allele CA2573052952.